The following is an entry in ClinVar:

ClinVar aggregate classification (germline): Uncertain significance (1 of 4 stars; one submission).

Conditions:
Usher syndrome type 3B. Also called: USHER SYNDROME, TYPE IIIB. Identifiers: MedGen C3281066, MONDO:0013788, OMIM 614504.

Submission:

Labcorp Genetics (formerly Invitae), Labcorp
Classification: Uncertain significance for Usher syndrome type 3B. Last evaluated: 2022-06-08. Review status: criteria provided, single submitter. Criteria: Invitae Variant Classification Sherloc (09022015). Collection method: clinical testing. Allele origin: germline.
Comment: In summary, the available evidence is currently insufficient to determine the role of this variant in disease. Therefore, it has been classified as a Variant of Uncertain Significance. Algorithms developed to predict the effect of missense changes on protein structure and function are either unavailable or do not agree on the potential impact of this missense change (SIFT: "Deleterious"; PolyPhen-2: "Benign"; Align-GVGD: "Class C0"). This variant has not been reported in the literature in individuals affected with HARS-related conditions. This variant is not present in population databases (gnomAD no frequency). This sequence change replaces glutamic acid, which is acidic and polar, with lysine, which is basic and polar, at codon 485 of the HARS protein (p.Glu485Lys).

NM_002109.6(HARS1):c.1453G>A (p.Glu485Lys)

Gene: HARS1 (histidyl-tRNA synthetase 1; minus strand). Cytogenetic location: 5q31.3.
Variant type: single nucleotide variant.
Coding change: c.1453G>A on transcript NM_002109.6 (MANE Select); coding-DNA position 1453, G replaced by A.
Protein change: p.Glu485Lys; replaces glutamic acid 485 with lysine.
Molecular consequence: missense variant.
Genome position (GRCh38, 1-based): chr5:140,674,684, C>T on the plus strand (G>A on the coding strand, the complement: HARS1 is on the minus strand). VCF-style: chr5-140674684-C-T. GRCh37 (hg19) VCF-style: chr5-140054269-C-T.
Other names: c.1333G>A, p.Glu445Lys (NM_001258040.3); c.1393G>A, p.Glu465Lys (NM_001258041.3); c.1273G>A, p.Glu425Lys (NM_001258042.3); c.1231G>A, p.Glu411Lys (NM_001289092.2); c.1111G>A, p.Glu371Lys (NM_001289093.2); c.1366G>A, p.Glu456Lys (NM_001289094.2); short protein forms E371K, E425K, E465K, E485K, E456K, E411K, E445K.
Identifiers: ClinVar variation 2086303 (VCV002086303.4), dbSNP rs2481231364, ClinGen allele CA361246675.